The following is an entry in ClinVar:

ClinVar aggregate classification (germline): Likely pathogenic (1 of 4 stars; one submission).

Conditions:
Dilated cardiomyopathy 1G (CMD1G). Identifiers: Orphanet 154, MedGen C1858763, MONDO:0011400, OMIM 604145.
Autosomal recessive limb-girdle muscular dystrophy type 2J (LGMDR10). Also called: Limb-girdle muscular dystrophy, type 2J; MUSCULAR DYSTROPHY, LIMB-GIRDLE, AUTOSOMAL RECESSIVE 10. Identifiers: Orphanet 140922, MedGen C1837342, MONDO:0012127, OMIM 608807.

Submission:

Labcorp Genetics (formerly Invitae), Labcorp
Classification: Likely pathogenic for Dilated cardiomyopathy 1G; Autosomal recessive limb-girdle muscular dystrophy type 2J. Last evaluated: 2024-07-08. Review status: criteria provided, single submitter. Criteria: Invitae Variant Classification Sherloc (09022015). Collection method: clinical testing. Allele origin: germline.
Comment: This sequence change creates a premature translational stop signal (p.Thr33444Lysfs*11) in the TTN gene. While this is not anticipated to result in nonsense mediated decay, it is expected to create a truncated TTN protein. This variant is not present in population databases (gnomAD no frequency). This premature translational stop signal has been observed in individual(s) with dilated cardiomyopathy (Invitae). This variant is located in the A band of TTN (PMID: 25589632). Truncating variants in this region are significantly overrepresented in patients affected with dilated cardiomyopathy (PMID: 25589632). Truncating variants in this region have also been reported in individuals affected with autosomal recessive centronuclear myopathy (PMID: 23975875). In summary, the currently available evidence indicates that the variant is pathogenic, but additional data are needed to prove that conclusively. Therefore, this variant has been classified as Likely Pathogenic.

Literature cited by the submitters: PubMed 25589632; PubMed 23975875.

NM_001267550.2(TTN):c.100331del (p.Thr33444fs)

Genes: TTN (titin; minus strand), TTN-AS1 (TTN antisense RNA 1; plus strand), LOC126806420 (BRD4-independent group 4 enhancer GRCh37_chr2:179401104-179402303; plus strand). Cytogenetic location: 2q31.2.
Variant type: Deletion.
Coding change: c.100331del on transcript NM_001267550.2 (MANE Select); coding-DNA position 100331, one base deleted (C; older notation c.100331delC).
Protein change: p.Thr33444fs; shifts the reading frame from threonine 33444.
Molecular consequence: frameshift variant.
Genome position (GRCh38, 1-based): chr2:178,536,416, G deleted on the plus strand (C on the coding strand, the reverse complement: TTN is on the minus strand). VCF-style (leftmost placement, unchanged base first): chr2-178536415-TG-T. GRCh37 (hg19) VCF-style: chr2-179401142-TG-T.
Other names: c.95408del, p.Thr31803fs (NM_001256850.1); c.73136del, p.Thr24379fs (NM_003319.4); c.92627del, p.Thr30876fs (NM_133378.4); c.73511del, p.Thr24504fs (NM_133432.3); c.73712del, p.Thr24571fs (NM_133437.4); short protein forms T24379fs, T24504fs, T24571fs, T30876fs, T31803fs, T33444fs.
Identifiers: ClinVar variation 3757112 (VCV003757112.2).